The following is an entry in ClinVar:

NM_001243925.2(MAPKAPK3):c.90dup (p.Arg31fs)

Gene: MAPKAPK3 (MAPK activated protein kinase 3; plus strand). Cytogenetic location: 3p21.2.
Variant type: Duplication.
Coding change: c.90dup on transcript NM_001243925.2 (MANE Select); coding-DNA position 90, one base duplicated (G; older notation c.90dupG).
Protein change: p.Arg31fs; shifts the reading frame from arginine 31.
Molecular consequence: frameshift variant.
Genome position (GRCh38, 1-based): chr3:50,617,655, G duplicated; the last of 7 consecutive G bases (chr3:50,617,649-50,617,655); duplicating any one gives the same sequence. VCF-style (leftmost placement, unchanged base first): chr3-50617648-C-CG. GRCh37 (hg19) VCF-style: chr3-50655079-C-CG.
Other names: c.90dup, p.Arg31fs (NM_001243926.2, NM_004635.5); short protein forms R31fs.
Identifiers: ClinVar variation 1369005 (VCV001369005.5), dbSNP rs751967432, ClinGen allele CA2420151.

ClinVar aggregate classification (germline): Uncertain significance (1 of 4 stars; one submission).

Submission:

Labcorp Genetics (formerly Invitae), Labcorp
Classification: Uncertain significance. Last evaluated: 2025-11-03. Review status: criteria provided, single submitter. Criteria: Invitae Variant Classification Sherloc (09022015). Collection method: clinical testing. Allele origin: germline.
Comment: This sequence change creates a premature translational stop signal (p.Arg31Alafs*47) in the MAPKAPK3 gene. It is expected to result in an absent or disrupted protein product. However, the current clinical and genetic evidence is not sufficient to establish whether loss-of-function variants in MAPKAPK3 cause disease. The frequency data for this variant in the population databases is considered unreliable, as metrics indicate poor data quality at this position in the gnomAD database. This variant has not been reported in the literature in individuals affected with MAPKAPK3-related conditions. ClinVar contains an entry for this variant (Variation ID: 1369005). In summary, the available evidence is currently insufficient to determine the role of this variant in disease. Therefore, it has been classified as a Variant of Uncertain Significance.